The following is an entry in ClinVar:

NM_000152.5(GAA):c.1669A>G (p.Ile557Val)

Gene: GAA (alpha glucosidase; plus strand). Cytogenetic location: 17q25.3.
Variant type: single nucleotide variant.
Coding change: c.1669A>G on transcript NM_000152.5 (MANE Select); coding-DNA position 1669, A replaced by G.
Protein change: p.Ile557Val; replaces isoleucine 557 with valine.
Molecular consequence: missense variant.
Genome position (GRCh38, 1-based): chr17:80,112,015, A>G. VCF-style: chr17-80112015-A-G. GRCh37 (hg19) VCF-style: chr17-78085814-A-G.
Other names: c.1669A>G, p.Ile557Val (NM_001079803.3, NM_001079804.3); short protein forms I557V.
Identifiers: ClinVar variation 856959 (VCV000856959.8), dbSNP rs747150965, ClinGen allele CA8815433.

ClinVar aggregate classification (germline): Uncertain significance. Review status: criteria provided, single submitter (1 of 4 stars). 2 submissions from 2 submitters: Uncertain significance (1). 1 of the submissions does not count toward it. Last evaluated 2022-08-15.

Conditions:
Glycogen storage disease, type II (IOPD). Also called: Glucosidase acid-1,4-alpha deficiency; Pompe Disease; CARDIOMEGALIA GLYCOGENICA DIFFUSA; GLYCOGENOSIS, GENERALIZED, CARDIAC FORM; GSD II; Glycogen storage disease type 2. Identifiers: Orphanet 365, MedGen C0017921, MONDO:0009290, OMIM 232300.

Allele frequency attached by ClinVar (database versions not stated): gnomAD exomes 0.00001; ExAC 0.00002.
gnomAD v4.1: 7 of 1,613,944 alleles (0.00043%); highest among the groups gnomAD compares: East Asian, 0.0045%; no homozygotes.

Submissions (2):

Labcorp Genetics (formerly Invitae), Labcorp
Classification: Uncertain significance for Glycogen storage disease, type II. Last evaluated: 2022-08-15. Review status: criteria provided, single submitter. Criteria: Invitae Variant Classification Sherloc (09022015). Collection method: clinical testing. Allele origin: germline.
Comment: This sequence change replaces isoleucine, which is neutral and non-polar, with valine, which is neutral and non-polar, at codon 557 of the GAA protein (p.Ile557Val). This variant is present in population databases (rs747150965, gnomAD 0.006%). This variant has not been reported in the literature in individuals affected with GAA-related conditions. ClinVar contains an entry for this variant (Variation ID: 856959). Advanced modeling of protein sequence and biophysical properties (such as structural, functional, and spatial information, amino acid conservation, physicochemical variation, residue mobility, and thermodynamic stability) performed at Invitae indicates that this missense variant is not expected to disrupt GAA protein function. This variant disrupts the p.Ile557 amino acid residue in GAA. Other variant(s) that disrupt this residue have been determined to be pathogenic (PMID: 23884227, 25612604). This suggests that this residue is clinically significant, and that variants that disrupt this residue are likely to be disease-causing. In summary, the available evidence is currently insufficient to determine the role of this variant in disease. Therefore, it has been classified as a Variant of Uncertain Significance.

Natera, Inc.
Classification: Uncertain significance for Glycogen storage disease type II. Last evaluated: 2021-09-09. Review status: no assertion criteria provided. Collection method: clinical testing. Allele origin: germline. Not counted in ClinVar's aggregate classification.

Literature cited by the submitters: PubMed 23884227 (cited by Labcorp Genetics (formerly Invitae), Labcorp); PubMed 25612604 (cited by Labcorp Genetics (formerly Invitae), Labcorp).